The following is an entry in ClinVar:

NC_000003.12:g.169764786G>A

Genes: TERC (telomerase RNA component; minus strand), LOC110806306 (telomerase RNA component (TERC) promoter; plus strand). Cytogenetic location: 3q26.2.
Variant type: single nucleotide variant.
Genome position: GRCh38 VCF-style: chr3-169764786-G-A. GRCh37 (hg19) VCF-style: chr3-169482574-G-A.
Identifiers: ClinVar variation 2020151 (VCV002020151.4), dbSNP rs1239048914, ClinGen allele CA436715189.
Genomic context (GRCh38, chr3:169,764,786, plus strand): 5'-CCCGAGAGACCCGCGGCTGACAGAGCCCAACTCTTCGCGGTGGCAGTGGGTGCCTCCGGA[G>A]AAGCCCCGGGCCGACCGCGGCCTCCAGGCGGGGTTCGGGGGCTGGGCAGGCGACCCGCCG-3'

ClinVar aggregate classification (germline): Uncertain significance (1 of 4 stars; one submission).

Conditions:
Dyskeratosis congenita, autosomal dominant 1 (DKCA1). Also called: Dyskeratosis congenita Scoggins type. Identifiers: Orphanet 1775, MedGen C4551974, MONDO:0007485, OMIM 127550. Inheritance: Variable.

Submission:

Labcorp Genetics (formerly Invitae), Labcorp
Classification: Uncertain significance for Dyskeratosis congenita, autosomal dominant 1. Last evaluated: 2022-07-29. Review status: criteria provided, single submitter. Criteria: Invitae Variant Classification Sherloc (09022015). Collection method: clinical testing. Allele origin: germline.
Comment: This variant occurs in the TERC gene, which encodes an RNA molecule that does not result in a protein product. This variant is not present in population databases (gnomAD no frequency). This variant has not been reported in the literature in individuals affected with TERC-related conditions. This variant is located within the conserved regions 4 and 5 (CR4-CR5) domain of the TERC RNA component, which is required for telomerase activity (PMID: 15082312, 21844345). In summary, the available evidence is currently insufficient to determine the role of this variant in disease. Therefore, it has been classified as a Variant of Uncertain Significance.

Literature cited by the submitters: PubMed 15082312; PubMed 21844345.